The following is an entry in ClinVar:

ClinVar aggregate classification (germline): Likely benign (0 of 4 stars; one submission).

Conditions:
PLXNA1-related disorder. Also called: PLXNA1-related condition.

Allele frequency attached by ClinVar (database versions not stated): ExAC 0.00001; gnomAD 0.00001; TOPMed 0.00001.
gnomAD v4.1: 19 of 1,612,828 alleles (0.0012%); highest among the groups gnomAD compares: East Asian, 0.0022%; no homozygotes.

Submission:

PreventionGenetics, part of Exact Sciences
Classification: Likely benign for PLXNA1-related condition. Last evaluated: 2022-05-29. Review status: no assertion criteria provided. Collection method: clinical testing. Allele origin: germline.
Comment: This variant is classified as likely benign based on ACMG/AMP sequence variant interpretation guidelines (Richards et al. 2015 PMID: 25741868, with internal and published modifications).

NM_032242.4(PLXNA1):c.4581G>A (p.Thr1527=)

Gene: PLXNA1 (plexin A1; plus strand). Cytogenetic location: 3q21.3.
Variant type: single nucleotide variant.
Coding change: c.4581G>A on transcript NM_032242.4 (MANE Select); coding-DNA position 4581, G replaced by A.
Protein change: p.Thr1527=; no amino-acid change (threonine 1527 retained).
Molecular consequence: synonymous variant.
Genome position (GRCh38, 1-based): chr3:127,028,252, G>A. VCF-style: chr3-127028252-G-A. GRCh37 (hg19) VCF-style: chr3-126747095-G-A.
Identifiers: ClinVar variation 3030950 (VCV003030950.2), dbSNP rs772947536, ClinGen allele CA2594414.
Genomic context (GRCh38, chr3:127,028,252, plus strand): 5'-TGTGAACCCTGAGAATGAGAATGCACCTGAGGTGCCGGTGAAGGGGCTGGACTGTGACAC[G>A]GTCACCCAGGCCAAGGAGAAGCTGCTGGACGCTGCCTACAAGGGCGTGCCCTACTCCCAG-3'
Protein context (NP_115618.3, residues 1517-1537): EVPVKGLDCD[Thr1527=]VTQAKEKLLD